The following is an entry in ClinVar:

ClinVar aggregate classification (germline): Uncertain significance. Review status: criteria provided, multiple submitters, no conflicts (2 of 4 stars). 2 submissions from 2 submitters: Uncertain significance (2). Last evaluated 2022-11-09.

Conditions:
Brody myopathy. Also called: BRODY DISEASE. Identifiers: Orphanet 53347, MedGen C1832918, MONDO:0010977, OMIM 601003.

Allele frequency attached by ClinVar (database versions not stated): gnomAD exomes below 0.00001; gnomAD 0.00001; TOPMed 0.00002.

Submissions (2):

Athena Diagnostics
Classification: Uncertain significance. Last evaluated: 2022-11-09. Review status: criteria provided, single submitter. Criteria: Athena Diagnostics Criteria. Collection method: clinical testing. Allele origin: unknown.
Comment: Available data are insufficient to determine the clinical significance of the variant at this time. The frequency of this variant in the general population is uninformative in assessment of its pathogenicity. Computational tools predict that this variant is not damaging.

Labcorp Genetics (formerly Invitae), Labcorp
Classification: Uncertain significance for Brody myopathy. Last evaluated: 2022-08-16. Review status: criteria provided, single submitter. Criteria: Invitae Variant Classification Sherloc (09022015). Collection method: clinical testing. Allele origin: germline.
Comment: This sequence change replaces leucine, which is neutral and non-polar, with phenylalanine, which is neutral and non-polar, at codon 968 of the ATP2A1 protein (p.Leu968Phe). This variant is present in population databases (no rsID available, gnomAD 0.008%). This variant has not been reported in the literature in individuals affected with ATP2A1-related conditions. ClinVar contains an entry for this variant (Variation ID: 1006946). Algorithms developed to predict the effect of missense changes on protein structure and function output the following: SIFT: "Tolerated"; PolyPhen-2: "Benign"; Align-GVGD: "Class C0". The phenylalanine amino acid residue is found in multiple mammalian species, which suggests that this missense change does not adversely affect protein function. In summary, the available evidence is currently insufficient to determine the role of this variant in disease. Therefore, it has been classified as a Variant of Uncertain Significance.

NM_004320.6(ATP2A1):c.2902C>T (p.Leu968Phe)

Gene: ATP2A1 (ATPase sarcoplasmic/endoplasmic reticulum Ca2+ transporting 1; plus strand). Cytogenetic location: 16p11.2.
Variant type: single nucleotide variant.
Coding change: c.2902C>T on transcript NM_004320.6 (MANE Select); coding-DNA position 2902, C replaced by T.
Protein change: p.Leu968Phe; replaces leucine 968 with phenylalanine.
Molecular consequence: missense variant.
Genome position (GRCh38, 1-based): chr16:28,903,362, C>T. VCF-style: chr16-28903362-C-T. GRCh37 (hg19) VCF-style: chr16-28914683-C-T.
Other names: c.2527C>T, p.Leu843Phe (NM_001286075.2); c.2902C>T, p.Leu968Phe (NM_173201.5); c.2902C>T (NM_004320.4); short protein forms L843F, L968F.
Identifiers: ClinVar variation 1006946 (VCV001006946.7), dbSNP rs1403323589, ClinGen allele CA395415920.